The following is an entry in ClinVar:

ClinVar aggregate classification (germline): Uncertain significance (1 of 4 stars; one submission).

Conditions:
Glycogen storage disease, type II (IOPD). Also called: Glucosidase acid-1,4-alpha deficiency; CARDIOMEGALIA GLYCOGENICA DIFFUSA; Glycogen storage disease type 2; Acid maltase deficiency disease; Aglucosidase alfa; Deficiency of alpha-glucosidase. Identifiers: Orphanet 365, MedGen C0017921, MONDO:0009290, OMIM 232300.

Submission:

Labcorp Genetics (formerly Invitae), Labcorp
Classification: Uncertain significance for Glycogen storage disease, type II. Last evaluated: 2021-10-31. Review status: criteria provided, single submitter. Criteria: Invitae Variant Classification Sherloc (09022015). Collection method: clinical testing. Allele origin: germline.
Comment: This sequence change falls in intron 7 of the GAA gene. It does not directly change the encoded amino acid sequence of the GAA protein. It affects a nucleotide within the consensus splice site. This variant is not present in population databases (gnomAD no frequency). This variant has not been reported in the literature in individuals affected with GAA-related conditions. Variants that disrupt the consensus splice site are a relatively common cause of aberrant splicing (PMID: 17576681, 9536098). Algorithms developed to predict the effect of sequence changes on RNA splicing suggest that this variant may disrupt the consensus splice site. In summary, the available evidence is currently insufficient to determine the role of this variant in disease. Therefore, it has been classified as a Variant of Uncertain Significance.

Literature cited by the submitters: PubMed 17576681; PubMed 9536098.

NM_000152.5(GAA):c.1194+3G>T

Gene: GAA (alpha glucosidase; plus strand). Cytogenetic location: 17q25.3.
Variant type: single nucleotide variant.
Coding change: c.1194+3G>T on transcript NM_000152.5 (MANE Select); 3 bases into the intron after coding-DNA position 1194, G replaced by T.
Molecular consequence: intron variant.
Genome position (GRCh38, 1-based): chr17:80,108,610, G>T. VCF-style: chr17-80108610-G-T. GRCh37 (hg19) VCF-style: chr17-78082409-G-T.
Other names: c.1194+3G>T (NM_001079803.3, NM_001079804.3).
Identifiers: ClinVar variation 1430087 (VCV001430087.3), dbSNP rs368539333, ClinGen allele CA2525810184.
Genomic context (GRCh38, chr17:80,108,610, plus strand): 5'-CTCCACCGCTATCACCCGCCAGGTGGTGGAGAACATGACCAGGGCCCACTTCCCCCTGGT[G>T]AGTTGGGGTGGTGGCAGGGGAGGCAAGGGGCTGGCCGGGACGCGTCTCCTCAGGCCCCAG-3'